The following is an entry in ClinVar:

NM_001256545.2(MEGF10):c.2873T>G (p.Leu958Arg)

Gene: MEGF10 (multiple EGF like domains 10; plus strand). Cytogenetic location: 5q23.2.
Variant type: single nucleotide variant.
Coding change: c.2873T>G on transcript NM_001256545.2 (MANE Select); coding-DNA position 2873, T replaced by G.
Protein change: p.Leu958Arg; replaces leucine 958 with arginine.
Molecular consequence: missense variant.
Genome position (GRCh38, 1-based): chr5:127,449,115, T>G. VCF-style: chr5-127449115-T-G. GRCh37 (hg19) VCF-style: chr5-126784807-T-G.
Other names: c.2873T>G (NM_032446.2); c.2873T>G, p.Leu958Arg (NM_032446.3); short protein forms L958R.
Identifiers: ClinVar variation 1297472 (VCV001297472.2), dbSNP rs768809701, ClinGen allele CA3392064.

ClinVar aggregate classification (germline): Uncertain significance. Review status: criteria provided, multiple submitters, no conflicts (2 of 4 stars). 2 submissions from 2 submitters: Uncertain significance (2). Last evaluated 2025-06-12.

Conditions:
Inborn genetic diseases. Identifiers: MedGen C0950123, MeSH D030342.
MEGF10-related myopathy (CMYO10A). Also called: Congenital myopathy 10A, severe variant. Identifiers: Orphanet 439212, MedGen C3280679, MONDO:0013731, OMIM 614399.

Allele frequency attached by ClinVar (database versions not stated): ExAC 0.00002; gnomAD exomes 0.00002; TOPMed 0.00003; gnomAD 0.00004.
gnomAD v4.1: 27 of 1,614,044 alleles (0.0017%); highest among the groups gnomAD compares: Non-Finnish European, 0.0021%; no homozygotes.

Submissions (2):

Ambry Genetics
Classification: Uncertain significance for Inborn genetic diseases. Last evaluated: 2025-06-12. Review status: criteria provided, single submitter. Criteria: Ambry Variant Classification Scheme 2023. Collection method: clinical testing. Allele origin: germline.

Breda Genetics srl
Classification: Uncertain significance for MEGF10-related myopathy. Last evaluated: 2021-09-03. Review status: criteria provided, single submitter. Criteria: ACMG Guidelines, 2015. Collection method: clinical testing. Allele origin: germline. Inheritance: Autosomal recessive inheritance. Affected: yes. Observed: 1 variant allele, 1 heterozygote.
Comment: Based on allele frequency, in-silico prediction scores and a certain overlap with the clinical phenotype, we interpreted this variant at least as of uncertain significance. The lack of one or more of the following features has discouraged further investigations: lack of a possible second hit in autosomal recessive conditions, presence of healthy controls in databases for autosomal dominant conditions, presence of unmatching cardinal clinical features in the patient or in the known gene-disease association, and/or variant type outside the known gene mutational spectrum.